The following is an entry in ClinVar:

NM_007294.4(BRCA1):c.1833G>A (p.Leu611=)

Gene: BRCA1 (BRCA1 DNA repair associated; minus strand). Cytogenetic location: 17q21.31.
Variant type: single nucleotide variant.
Coding change: c.1833G>A on transcript NM_007294.4 (MANE Select); coding-DNA position 1833, G replaced by A.
Protein change: p.Leu611=; no amino-acid change (leucine 611 retained).
Molecular consequence: synonymous variant. On other transcripts: intron variant (137).
Genome position (GRCh38, 1-based): chr17:43,093,698, C>T on the plus strand (G>A on the coding strand, the complement: BRCA1 is on the minus strand). VCF-style: chr17-43093698-C-T. GRCh37 (hg19) VCF-style: chr17-41245715-C-T.
Other names: c.1620G>A, p.Leu540= (NM_001407571.1, NM_001407853.1, NM_001407894.1 and 9 more transcripts); c.1833G>A, p.Leu611= (NM_001407581.1, NM_001407582.1, NM_001407583.1 and 30 more transcripts); c.1830G>A, p.Leu610= (NM_001407587.1, NM_001407590.1, NM_001407591.1 and 22 more transcripts); c.1824G>A, p.Leu608= (NM_001407646.1, NM_001407647.1); c.1710G>A, p.Leu570= (NM_001407648.1, NM_001407664.1, NM_001407665.1 and 19 more transcripts); c.1707G>A, p.Leu569= (NM_001407649.1, NM_001407670.1, NM_001407671.1 and 11 more transcripts); c.1755G>A, p.Leu585= (NM_001407653.1, NM_001407654.1, NM_001407655.1 and 4 more transcripts); c.1752G>A, p.Leu584= (NM_001407659.1, NM_001407660.1, NM_001407661.1 and 1 more transcripts); and 40 more.
Identifiers: ClinVar variation 184578 (VCV000184578.19), dbSNP rs786201548, ClinGen allele CA001194.
Genomic context (GRCh38, chr17:43,093,698, plus strand): 5'-TAGATTTCTACTGACTACTAGTTCAAGCGCATGAATATGCCTGGTAGAAGACTTCCTCCT[C>T]AGCCTATTCTTTTTAGGTGCTTTTGAATTGTGGATATTTAATTCGAGTTCCATATTGCTT-3'
Protein context (NP_009225.1, residues 601-621): HNSKAPKKNR[Leu611=]RRKSSTRHIH

ClinVar aggregate classification (germline): Likely benign. Review status: reviewed by expert panel (3 of 4 stars). 6 submissions from 6 submitters: Likely benign (1). 5 of the submissions do not count toward it. Last evaluated 2017-06-29.

Conditions:
Hereditary cancer-predisposing syndrome. Also called: Hereditary Cancer Syndrome; Hereditary neoplastic syndrome; Tumor predisposition; Neoplastic Syndromes, Hereditary. Identifiers: Orphanet 140162, MedGen C0027672, MeSH D009386, MONDO:0015356.
Hereditary breast ovarian cancer syndrome. Also called: Hereditary breast and ovarian cancer syndrome; Hereditary breast and ovarian cancer syndrome (HBOC); BRCA1- and BRCA2-Associated Hereditary Breast and Ovarian Cancer; Breast and ovarian cancer; Hereditary breast and ovarian cancer; Hereditary breast and/or ovarian cancer syndrome. Identifiers: Orphanet 145, MedGen C0677776, MeSH D061325, MONDO:0003582. Disease mechanism: loss of function.
Breast-ovarian cancer, familial, susceptibility to, 1 (BROVCA1). Also called: OVARIAN CANCER, SUSCEPTIBILITY TO; BRCA1 Hereditary Breast and Ovarian Cancer. Identifiers: Orphanet 145, MedGen C2676676, MONDO:0011450, OMIM 604370. Disease mechanism: loss of function.
BRCA1-related cancer predisposition. Identifiers: MedGen CN377757, MONDO:0700268.

Submissions (6):

Evidence-based Network for the Interpretation of Germline Mutant Alleles (ENIGMA)
Classification: Likely benign for Breast-ovarian cancer, familial, susceptibility to, 1. Last evaluated: 2017-06-29. Review status: reviewed by expert panel. Criteria: ENIGMA BRCA1/2 Classification Criteria (2017-06-29). Collection method: curation. Allele origin: germline.
Comment: Synonymous substitution variant, with low bioinformatic likelihood to result in a splicing aberration (Splicing prior probability 0.02).

Center for Genomic Medicine, Rigshospitalet, Copenhagen University Hospital
Classification: Likely benign. Last evaluated: 2025-12-29. Review status: criteria provided, single submitter. Criteria: ACMG Guidelines, 2015. Collection method: clinical testing. Allele origin: germline. Not counted in ClinVar's aggregate classification.
Comment: Classification criteria: BP4, BP7

Labcorp Genetics (formerly Invitae), Labcorp
Classification: Likely benign for Hereditary breast ovarian cancer syndrome. Last evaluated: 2025-06-29. Review status: criteria provided, single submitter. Criteria: Invitae Variant Classification Sherloc (09022015). Collection method: clinical testing. Allele origin: germline. Not counted in ClinVar's aggregate classification.

All of Us Research Program, National Institutes of Health
Classification: Likely benign for BRCA1-related cancer predisposition. Last evaluated: 2024-08-13. Review status: criteria provided, single submitter. Criteria: ACMG Guidelines, 2015. Collection method: clinical testing. Allele origin: germline. Inheritance: Autosomal dominant inheritance. Observed: 1 variant allele, 1 heterozygote. Not counted in ClinVar's aggregate classification.
Comment: This study involves interpretation of variants in research participants for the purpose of population health screening. Participant phenotype was not available at the time of variant classification. Additional details can be found in publication PMID: 35346344, PMCID: PMC8962531

Ambry Genetics
Classification: Likely benign for Hereditary cancer-predisposing syndrome. Last evaluated: 2023-09-06. Review status: criteria provided, single submitter. Criteria: Ambry Variant Classification Scheme 2023. Collection method: clinical testing. Allele origin: germline. Not counted in ClinVar's aggregate classification.

Color Diagnostics, LLC DBA Color Health
Classification: Likely benign for Hereditary cancer-predisposing syndrome. Last evaluated: 2017-05-16. Review status: criteria provided, single submitter. Criteria: ACMG Guidelines, 2015. Collection method: clinical testing. Allele origin: germline. Not counted in ClinVar's aggregate classification.